The following is an entry in ClinVar:

ClinVar aggregate classification (germline): Uncertain significance (1 of 4 stars; one submission).

Submission:

Labcorp Genetics (formerly Invitae), Labcorp
Classification: Uncertain significance. Last evaluated: 2016-11-03. Review status: criteria provided, single submitter. Criteria: Invitae Variant Classification Sherloc (09022015). Collection method: clinical testing. Allele origin: germline.
Comment: This variant is not present in population databases (ExAC no frequency) and has not been reported in the literature in individuals with a XRCC2-related disease. The current clinical and genetic evidence is not sufficient to establish whether loss-of-function variants in XRCC2 cause disease. Therefore, this variant has been classified as a Variant of Uncertain Significance. This sequence change deletes 2 nucleotides from exon 3 of the XRCC2 mRNA (c.789_790delCA), causing a frameshift at codon 263. This creates a premature translational stop signal in the last exon of the XRCC2 mRNA (p.Asn263Lysfs*15). While this is not anticipated to result in nonsense mediated decay, it is expected to disrupt the last 18 amino acids of the XRCC2 protein. Experimental studies have not been reported for this variant and it is currently unknown if the last 18 amino acids of the XRCC2 protein are critical for its function.

NM_005431.2(XRCC2):c.789_790del (p.Asn263fs)

Gene: XRCC2 (X-ray repair cross complementing 2; minus strand). Cytogenetic location: 7q36.1.
Variant type: Deletion.
Coding change: c.789_790del on transcript NM_005431.2 (MANE Select); coding-DNA positions 789 to 790, 2 bases deleted (CA; older notation c.789_790delCA).
Protein change: p.Asn263fs; shifts the reading frame from asparagine 263.
Molecular consequence: frameshift variant.
Genome position (GRCh38, 1-based): chr7:152,648,695-152,648,696, TG deleted on the plus strand (CA on the coding strand, the reverse complement: XRCC2 is on the minus strand); deleting any 2 consecutive bases within chr7:152,648,695-152,648,697 gives the same sequence; the c. name uses the placement nearest the transcript's 3' end. VCF-style (leftmost placement, unchanged base first): chr7-152648694-CTG-C. GRCh37 (hg19) VCF-style: chr7-152345779-CTG-C.
Other names: short protein forms N263fs.
Identifiers: ClinVar variation 409961 (VCV000409961.8), dbSNP rs1060502667, ClinGen allele CA16612057.